The following is an entry in ClinVar:

ClinVar aggregate classification (germline): Likely benign. Review status: criteria provided, multiple submitters, no conflicts (2 of 4 stars). 2 submissions from 2 submitters: Likely benign (2). Last evaluated 2026-06-19.

Conditions:
FNIP1-related disorder. Also called: FNIP1-related condition.

Allele frequency attached by ClinVar (database versions not stated): gnomAD 0.00011; TOPMed 0.00011; gnomAD exomes 0.00015; ExAC 0.00019; 1000 Genomes Project 30x 0.00031; 1000 Genomes Project 0.00040.
gnomAD v4.1: 245 of 1,613,654 alleles (0.015%); highest among the groups gnomAD compares: South Asian, 0.12%; no homozygotes.

Submissions (2):

PreventionGenetics, part of Exact Sciences
Classification: Likely benign for FNIP1-related condition. Last evaluated: 2026-06-19. Review status: criteria provided, single submitter. Criteria: ACMG Guidelines, 2015. Collection method: clinical testing. Allele origin: germline.
Comment: This variant is classified as likely benign based on ACMG/AMP sequence variant interpretation guidelines (Richards et al. 2015 PMID: 25741868, with internal and published modifications).

Labcorp Genetics (formerly Invitae), Labcorp
Classification: Likely benign. Last evaluated: 2025-10-21. Review status: criteria provided, single submitter. Criteria: Invitae Variant Classification Sherloc (09022015). Collection method: clinical testing. Allele origin: germline.

NM_133372.3(FNIP1):c.690C>T (p.Ser230=)

Gene: FNIP1 (folliculin interacting protein 1; minus strand). Cytogenetic location: 5q31.1.
Variant type: single nucleotide variant.
Coding change: c.690C>T on transcript NM_133372.3 (MANE Select); coding-DNA position 690, C replaced by T.
Protein change: p.Ser230=; no amino-acid change (serine 230 retained).
Molecular consequence: synonymous variant. On other transcripts: intron variant (1).
Genome position (GRCh38, 1-based): chr5:131,710,594, G>A on the plus strand (C>T on the coding strand, the complement: FNIP1 is on the minus strand). VCF-style: chr5-131710594-G-A. GRCh37 (hg19) VCF-style: chr5-131046287-G-A.
Other names: c.690C>T, p.Ser230= (NM_001346113.2); c.555C>T, p.Ser185= (NM_001346114.2); c.623-1322C>T (NM_001008738.3); c.690C>T (NM_133372.2).
Identifiers: ClinVar variation 2085348 (VCV002085348.5), dbSNP rs202044208, ClinGen allele CA3400849.